The following is an entry in ClinVar:

ClinVar aggregate classification (germline): Uncertain significance. Review status: criteria provided, multiple submitters, no conflicts (2 of 4 stars). 2 submissions from 2 submitters: Uncertain significance (2). Last evaluated 2026-09-10.

Conditions:
Dyskeratosis congenita. Identifiers: Orphanet 1775, MedGen C0265965, MONDO:0015780.
TINF2-related disorder. Also called: TINF2-related condition.

Allele frequency attached by ClinVar (database versions not stated): gnomAD 0.00002 and 0.00003; TOPMed 0.00002.
gnomAD v4.1: 6 of 1,614,042 alleles (0.00037%); highest among the groups gnomAD compares: Admixed American, 0.0017%; no homozygotes.

Submissions (2):

PreventionGenetics, part of Exact Sciences
Classification: Uncertain significance for TINF2-related condition. Last evaluated: 2026-09-10. Review status: criteria provided, single submitter. Criteria: ACMG Guidelines, 2015. Collection method: clinical testing. Allele origin: germline.
Comment: The TINF2 c.1221+1G>C variant is predicted to disrupt the GT donor site and interfere with normal splicing. This variant was reported in an individual with bone marrow failure (Table S8, Bluteau et al. 2018. PubMed ID: 29146883). This variant is reported in 0.0065% of alleles in individuals of European (Non-Finnish) descent in gnomAD. Although we suspect that this variant may be pathogenic, at this time, the clinical significance of this variant is uncertain due to the absence of conclusive functional and genetic evidence.

Labcorp Genetics (formerly Invitae), Labcorp
Classification: Uncertain significance for Dyskeratosis congenita. Last evaluated: 2024-08-08. Review status: criteria provided, single submitter. Criteria: Invitae Variant Classification Sherloc (09022015). Collection method: clinical testing. Allele origin: germline.
Comment: This sequence change affects a donor splice site in intron 8 of the TINF2 gene. It is expected to disrupt RNA splicing. Variants that disrupt the donor or acceptor splice site typically lead to a loss of protein function (PMID: 16199547), however the current clinical and genetic evidence is not sufficient to establish whether loss-of-function variants in TINF2 cause disease. The frequency data for this variant in the population databases is considered unreliable, as metrics indicate poor data quality at this position in the gnomAD database. Disruption of this splice site has been observed in individual(s) with aplastic anemia and microcephaly (PMID: 29146883). ClinVar contains an entry for this variant (Variation ID: 1006085). Algorithms developed to predict the effect of sequence changes on RNA splicing suggest that this variant may disrupt the consensus splice site. In summary, the available evidence is currently insufficient to determine the role of this variant in disease. Therefore, it has been classified as a Variant of Uncertain Significance.

Literature cited by the submitters: PubMed 16199547 (cited by Labcorp Genetics (formerly Invitae), Labcorp); PubMed 29146883 (cited by Labcorp Genetics (formerly Invitae), Labcorp).

NM_001099274.3(TINF2):c.1221+1G>C

Gene: TINF2 (TERF1 interacting nuclear factor 2; minus strand). Cytogenetic location: 14q12.
Variant type: single nucleotide variant.
Coding change: c.1221+1G>C on transcript NM_001099274.3 (MANE Select); the canonical splice donor site of the intron after coding-DNA position 1221, G replaced by C.
Molecular consequence: splice donor variant. On other transcripts: 3 prime UTR variant (1).
Genome position (GRCh38, 1-based): chr14:24,240,063, C>G on the plus strand (G>C on the coding strand, the complement: TINF2 is on the minus strand). VCF-style: chr14-24240063-C-G. GRCh37 (hg19) VCF-style: chr14-24709269-C-G.
Other names: c.*352G>C (NM_012461.3); c.1116+1G>C (NM_001363668.2); c.1221+1G>C (NM_001099274.1).
Identifiers: ClinVar variation 1006085 (VCV001006085.7), dbSNP rs374008344, ClinGen allele CA389221027.